The following is an entry in ClinVar:

NM_001352514.2(HLCS):c.*1725A>G

Gene: HLCS (holocarboxylase synthetase; minus strand). Cytogenetic location: 21q22.13.
Variant type: single nucleotide variant.
Coding change: c.*1725A>G on transcript NM_001352514.2 (MANE Select); 1725 bases downstream of the stop codon, A replaced by G.
Molecular consequence: 3 prime UTR variant. On other transcripts: non-coding transcript variant (2).
Genome position (GRCh38, 1-based): chr21:36,752,521, T>C on the plus strand (A>G on the coding strand, the complement: HLCS is on the minus strand). VCF-style: chr21-36752521-T-C. GRCh37 (hg19) VCF-style: chr21-38124822-T-C.
Other names: c.*1725A>G (NM_000411.8, NM_001242784.3, NM_001242785.2 and 4 more transcripts).
Identifiers: ClinVar variation 339936 (VCV000339936.5), dbSNP rs73398120, ClinGen allele CA10653607.
Genomic context (GRCh38, chr21:36,752,521, plus strand): 5'-TGAGAAATGAAACCTACATCGTTAGCCTCGAGATCTTTGTCCCTGATGATATTCTGCAGA[T>C]GCCCTCTCAAGGGTAAGTCCATTTTGTAATTTGGGGATGGTGTGGACTTGTATTTTACTT-3'

ClinVar aggregate classification (germline): Likely benign (1 of 4 stars; one submission).

Conditions:
Holocarboxylase synthetase deficiency. Also called: MULTIPLE CARBOXYLASE DEFICIENCY, EARLY ONSET. Identifiers: Orphanet 79242, MedGen C0268581, MONDO:0009666, OMIM 253270.

Allele frequency attached by ClinVar (database versions not stated): 1000 Genomes Project 30x 0.00359; gnomAD 0.00370 and 0.00399; 1000 Genomes Project 0.00379; TOPMed 0.00435.

Submission:

Illumina Laboratory Services, Illumina
Classification: Likely benign for Holocarboxylase synthetase deficiency. Last evaluated: 2018-01-13. Review status: criteria provided, single submitter. Criteria: ICSL Variant Classification Criteria 13 December 2019. Collection method: clinical testing. Allele origin: germline.
Comment: This variant was observed in the ICSL laboratory as part of a predisposition screen in an ostensibly healthy population. It had not been previously curated by ICSL or reported in the Human Gene Mutation Database (HGMD: prior to June 1st, 2018), and was therefore a candidate for classification through an automated scoring system. Utilizing variant allele frequency, disease prevalence and penetrance estimates, and inheritance mode, an automated score was calculated to assess if this variant is too frequent to cause the disease. Based on the score and internal cut-off values, a variant classified as likely benign is not then subjected to further curation. The score for this variant resulted in a classification of likely benign for this disease.